The following is an entry in ClinVar:

ClinVar aggregate classification (germline): Pathogenic. Review status: criteria provided, multiple submitters, no conflicts (2 of 4 stars). 7 submissions from 7 submitters: Pathogenic (7). Last evaluated 2025-08-11.

Conditions:
BAP1-related tumor predisposition syndrome (TPDS1). Also called: COMMON Syndrome; TUMOR PREDISPOSITION SYNDROME 1; BAP1 tumor predisposition syndrome; Tumor susceptibility linked to germline BAP1 mutations. Identifiers: Orphanet 289539, MedGen C3280492, MONDO:0013692, OMIM 614327.
Melanoma, uveal, susceptibility to, 2 (UVM2). Also called: Melanoma, uveal 2. Identifiers: Orphanet 39044, MedGen C1847723, MONDO:0011696, OMIM 606661.
Kury-Isidor syndrome (KURIS). Identifiers: MedGen C5676925, MONDO:0859230, OMIM 619762.
Hereditary cancer-predisposing syndrome. Also called: Hereditary Cancer Syndrome; Hereditary neoplastic syndrome; Neoplastic Syndromes, Hereditary; Tumor predisposition. Identifiers: Orphanet 140162, MedGen C0027672, MeSH D009386, MONDO:0015356.

Submissions (7):

Labcorp Genetics (formerly Invitae), Labcorp
Classification: Pathogenic for BAP1-related tumor predisposition syndrome. Last evaluated: 2025-08-11. Review status: criteria provided, single submitter. Criteria: Invitae Variant Classification Sherloc (09022015). Collection method: clinical testing. Allele origin: germline.
Comment: This sequence change creates a premature translational stop signal (p.Lys453Argfs*15) in the BAP1 gene. It is expected to result in an absent or disrupted protein product. Loss-of-function variants in BAP1 are known to be pathogenic (PMID: 21874000, 23684012). This variant is present in population databases (no rsID available, gnomAD 0.0009%). This variant has not been reported in the literature in individuals affected with BAP1-related conditions. ClinVar contains an entry for this variant (Variation ID: 434478). For these reasons, this variant has been classified as Pathogenic.

Ambry Genetics
Classification: Pathogenic for Hereditary cancer-predisposing syndrome. Last evaluated: 2025-06-20. Review status: criteria provided, single submitter. Criteria: Ambry Variant Classification Scheme 2023. Collection method: clinical testing. Allele origin: germline.
Comment: The c.1358_1359delAA pathogenic mutation, located in coding exon 13 of the BAP1 gene, results from a deletion of two nucleotides at nucleotide positions 1358 to 1359, causing a translational frameshift with a predicted alternate stop codon (p.K453Rfs*15). This variant was reported in individual(s) with features consistent with BAP1-related tumor predisposition syndrome (Huang KL et al. Cell, 2018 04;173:355-370.e14). In addition to the clinical data presented in the literature, this alteration is expected to result in loss of function by premature protein truncation or nonsense-mediated mRNA decay. As such, this alteration is interpreted as a disease-causing mutation.

Baylor Genetics
Classification: Pathogenic for BAP1-related tumor predisposition syndrome. Last evaluated: 2024-03-27. Review status: criteria provided, single submitter. Criteria: ACMG Guidelines, 2015. Collection method: clinical testing. Allele origin: unknown.

Myriad Genetics, Inc.
Classification: Pathogenic for BAP1-related tumor predisposition syndrome. Last evaluated: 2024-03-15. Review status: criteria provided, single submitter. Criteria: Myriad Autosomal Dominant, Autosomal Recessive and X-Linked Classification Criteria (2023). Collection method: clinical testing. Allele origin: unknown.
Comment: This variant is considered pathogenic. This variant creates a frameshift predicted to result in premature protein truncation.

Clinical Genetics Laboratory, Skane University Hospital Lund
Classification: Pathogenic. Last evaluated: 2024-02-29. Review status: criteria provided, single submitter. Criteria: ACMG Guidelines, 2015. Collection method: clinical testing. Allele origin: germline. Affected: yes.

Molecular Genetics and NGS Laboratory, Hospital Fundacion Valle Del Lili
Classification: Pathogenic for Melanoma, uveal, susceptibility to, 2; Kury-Isidor syndrome; BAP1-related tumor predisposition syndrome. Last evaluated: 2024-01-31. Review status: criteria provided, single submitter. Criteria: ACMG Guidelines, 2015. Collection method: clinical testing. Allele origin: germline. Affected: yes. Observed: 1 variant allele.

Genetic Services Laboratory, University of Chicago
Classification: Pathogenic for Tumor predisposition syndrome. Last evaluated: 2016-04-01. Review status: criteria provided, single submitter. Criteria: ACMG Guidelines, 2015. Collection method: clinical testing. Allele origin: germline. Affected: yes.

Literature cited by the submitters: PubMed 21874000 (cited by Labcorp Genetics (formerly Invitae), Labcorp); PubMed 23684012 (cited by Labcorp Genetics (formerly Invitae), Labcorp); PubMed 29625052 (cited by Ambry Genetics).

NM_004656.4(BAP1):c.1358_1359del (p.Lys453fs)

Gene: BAP1 (BRCA1 associated deubiquitinase 1; minus strand). Cytogenetic location: 3p21.1.
Variant type: Deletion.
Coding change: c.1358_1359del on transcript NM_004656.4 (MANE Select); coding-DNA positions 1358 to 1359, 2 bases deleted (AA; older notation c.1358_1359delAA).
Protein change: p.Lys453fs; shifts the reading frame from lysine 453.
Molecular consequence: frameshift variant.
Genome position (GRCh38, 1-based): chr3:52,403,786-52,403,787, TT deleted on the plus strand (AA on the coding strand, the reverse complement: BAP1 is on the minus strand); deleting any 2 consecutive bases within chr3:52,403,786-52,403,788 gives the same sequence; the c. name uses the placement nearest the transcript's 3' end. VCF-style (leftmost placement, unchanged base first): chr3-52403785-CTT-C. GRCh37 (hg19) VCF-style: chr3-52437801-CTT-C.
Other names: p.Lys453fs; short protein forms K453fs.
Identifiers: ClinVar variation 434478 (VCV000434478.19), dbSNP rs1351986946, ClinGen allele CA543056568.